The following is an entry in ClinVar:

NM_130839.5(UBE3A):c.1609-11T>C

Genes: SNHG14 (small nucleolar RNA host gene 14; plus strand), UBE3A (ubiquitin protein ligase E3A; minus strand). Cytogenetic location: 15q11.2.
Variant type: single nucleotide variant.
Coding change: c.1609-11T>C on transcript NM_130839.5 (MANE Select); 11 bases into the intron before coding-DNA position 1609, T replaced by C.
Molecular consequence: intron variant.
Genome position (GRCh38, 1-based): chr15:25,360,538, A>G on the plus strand (T>C on the coding strand, the complement: UBE3A is on the minus strand). VCF-style: chr15-25360538-A-G. GRCh37 (hg19) VCF-style: chr15-25605685-A-G.
Other names: c.1432-11T>C (NM_001354546.2); c.302-15T>C (NM_001354551.2); c.1549-11T>C (NM_001354549.2, NM_001354548.2, NM_130838.4 and 17 more transcripts); c.362-15T>C (NM_001354550.2); c.1609-11T>C (NM_001354545.2, NM_001354538.2, NM_001354505.1); c.1618-11T>C (NM_000462.5).
Identifiers: ClinVar variation 489336 (VCV000489336.9), dbSNP rs1555393315, ClinGen allele CA658683883.

ClinVar aggregate classification (germline): Conflicting classifications of pathogenicity. Review status: criteria provided, conflicting classifications (1 of 4 stars). 2 submissions from 2 submitters: Uncertain significance (1); Likely benign (1). Last evaluated 2022-12-02.

Conditions:
Angelman syndrome (AS). Also called: HAPPY PUPPET SYNDROME. Identifiers: Orphanet 72, MedGen C0162635, MONDO:0007113, OMIM 105830. Disease mechanism: loss of function. Inheritance: AS is caused by disruption of maternally imprinted UBE3A located within the 15q11.2-q13 Angelman syndrome/Prader-Willi syndrome (AS/PWS) region., imprinting disorder.

Allele frequency attached by ClinVar (database versions not stated): gnomAD exomes below 0.00001.
gnomAD v4.1: 1 of 1,612,594 alleles (0.000062%); highest among the groups gnomAD compares: Non-Finnish European, 0.000085%; no homozygotes.

Submissions (2):

Labcorp Genetics (formerly Invitae), Labcorp
Classification: Likely benign for Angelman syndrome. Last evaluated: 2022-12-02. Review status: criteria provided, single submitter. Criteria: Invitae Variant Classification Sherloc (09022015). Collection method: clinical testing. Allele origin: germline.

GeneDx
Classification: Uncertain significance. Last evaluated: 2018-01-04. Review status: criteria provided, single submitter. Criteria: GeneDx Variant Classification (06012015). Collection method: clinical testing. Allele origin: germline. Affected: yes.
Comment: A variant of uncertain significance has been identified in the UBE3A gene. The c.1549-11 T>C variant has not been published as a pathogenic variant, nor has it been reported as a benign variant to our knowledge. The c.1549-11 T>C variant is not observed in large population cohorts (Lek et al., 2016). Several in silico splice prediction models predict that c.1549-11 T>C may damage the natural splice acceptor site and lead to abnormal gene splicing; however, in the absence of RNA/functional studies the actual effect of c.1549-11 T>C on splicing is unknown. Therefore, based on the currently available information, it is unclear whether this variant is a pathogenic variant or a rare benign variant.